The following is an entry in ClinVar:

NM_001083961.2(WDR62):c.571G>A (p.Val191Ile)

Gene: WDR62 (WD repeat domain 62; plus strand). Cytogenetic location: 19q13.12.
Variant type: single nucleotide variant.
Coding change: c.571G>A on transcript NM_001083961.2 (MANE Select); coding-DNA position 571, G replaced by A.
Protein change: p.Val191Ile; replaces valine 191 with isoleucine.
Molecular consequence: missense variant.
Genome position (GRCh38, 1-based): chr19:36,067,315, G>A. VCF-style: chr19-36067315-G-A. GRCh37 (hg19) VCF-style: chr19-36558217-G-A.
Other names: c.571G>A, p.Val191Ile (NM_001411145.1, NM_001411146.1, NM_001411147.1 and 1 more transcripts); short protein forms V191I.
Identifiers: ClinVar variation 2139714 (VCV002139714.6), dbSNP rs768099287, ClinGen allele CA9395337.
Genomic context (GRCh38, chr19:36,067,315, plus strand): 5'-AGTCCAGTGGAATGAGTGCTGGCATGAGCTTCTCTGCACTTATTCTTCCAGAAAGACATC[G>A]TAGTGGCCTCCAACAAGGTATCTTGTAGAGTCATTGCCCTCTCCTTCTCAGAGGACAGCA-3'
Protein context (NP_001077430.1, residues 181-201): LNVWDWKKDI[Val191Ile]VASNKVSCRV

ClinVar aggregate classification (germline): Uncertain significance. Review status: criteria provided, multiple submitters, no conflicts (2 of 4 stars). 2 submissions from 2 submitters: Uncertain significance (2). Last evaluated 2023-10-27.

Conditions:
Microcephaly 2, primary, autosomal recessive, with or without cortical malformations. Also called: WDR62 Primary Microcephaly; MICROCEPHALY 2, PRIMARY, AUTOSOMAL RECESSIVE, WITH CORTICAL MALFORMATIONS. Identifiers: Orphanet 2512, MedGen C1858535, MONDO:0011435, OMIM 604317.

Allele frequency attached by ClinVar (database versions not stated): gnomAD exomes 0.00001; TOPMed 0.00001; ExAC 0.00002; gnomAD 0.00002; 1000 Genomes Project 30x 0.00016.

Submissions (2):

Revvity Omics, Revvity
Classification: Uncertain significance for Microcephaly 2, primary, autosomal recessive, with or without cortical malformations. Last evaluated: 2023-10-27. Review status: criteria provided, single submitter. Criteria: ACMG Guidelines, 2015. Collection method: clinical testing. Allele origin: germline.

Labcorp Genetics (formerly Invitae), Labcorp
Classification: Uncertain significance. Last evaluated: 2021-05-18. Review status: criteria provided, single submitter. Criteria: Invitae Variant Classification Sherloc (09022015). Collection method: clinical testing. Allele origin: germline.
Comment: This variant has not been reported in the literature in individuals with WDR62-related conditions. Algorithms developed to predict the effect of missense changes on protein structure and function (SIFT, PolyPhen-2, Align-GVGD) all suggest that this variant is likely to be tolerated, but these predictions have not been confirmed by published functional studies and their clinical significance is uncertain. In summary, the available evidence is currently insufficient to determine the role of this variant in disease. Therefore, it has been classified as a Variant of Uncertain Significance. This variant is present in population databases (rs768099287, ExAC 0.02%). This sequence change replaces valine with isoleucine at codon 191 of the WDR62 protein (p.Val191Ile). The valine residue is weakly conserved and there is a small physicochemical difference between valine and isoleucine.